The following is an entry in ClinVar:

NM_138775.3(ALKBH8):c.1330G>A (p.Glu444Lys)

Gene: ALKBH8 (alkB homolog 8, tRNA methyltransferase; minus strand). Cytogenetic location: 11q22.3.
Variant type: single nucleotide variant.
Coding change: c.1330G>A on transcript NM_138775.3 (MANE Select); coding-DNA position 1330, G replaced by A.
Protein change: p.Glu444Lys; replaces glutamic acid 444 with lysine.
Molecular consequence: missense variant. On other transcripts: non-coding transcript variant (4), intron variant (1).
Genome position (GRCh38, 1-based): chr11:107,510,994, C>T on the plus strand (G>A on the coding strand, the complement: ALKBH8 is on the minus strand). VCF-style: chr11-107510994-C-T. GRCh37 (hg19) VCF-style: chr11-107381720-C-T.
Other names: c.1330G>A, p.Glu444Lys (NM_001301010.3); c.1288-5779G>A (NM_001378133.1); short protein forms E444K.
Identifiers: ClinVar variation 3362305 (VCV003362305.3).

ClinVar aggregate classification (germline): Uncertain significance (1 of 4 stars; one submission).

Conditions:
Intellectual developmental disorder, autosomal recessive 71. Also called: MENTAL RETARDATION, AUTOSOMAL RECESSIVE 71. Identifiers: MedGen C5193133, MONDO:0032789, OMIM 618504.

gnomAD v4.1: 5 of 1,551,856 alleles (0.00032%); highest among the groups gnomAD compares: South Asian, 0.0048%; no homozygotes.

Submission:

Neuberg Centre For Genomic Medicine, NCGM
Classification: Uncertain significance for Intellectual developmental disorder, autosomal recessive 71. Last evaluated: 2023-06-02. Review status: criteria provided, single submitter. Criteria: ACMG Guidelines, 2015. Collection method: clinical testing. Allele origin: germline. Inheritance: Autosomal recessive inheritance. Affected: yes.
Comment: The missense c.1330G>A (p.Glu444Lys) variant in the ALKBH8 gene has not been reported previously as a pathogenic variant nor as a benign variant, to our knowledge. This variant is reported with the allele frequency (0.001%) in the gnomAD Exomes. The amino acid Glutamic acid at position 444 is changed to a Lysine changing protein sequence and it might alter its composition and physico-chemical properties. Computational evidence (Polyphen - Benign, SIFT - Damaging and MutationTaster - Disease causing) predicts conflicting evidence on protein structure and function for this variant. The amino acid Glutamic acid in ALKBH8 is predicted as conserved by GERP++ and PhyloP across 100 vertebrates. The residue is conserved by GERP++ and PhyloP across 100 vertebrates. For these reasons, this variant has been classified as Uncertain Significance.